The following is an entry in ClinVar:

NM_004369.4(COL6A3):c.4729A>G (p.Asn1577Asp)

Gene: COL6A3 (collagen type VI alpha 3 chain; minus strand). Cytogenetic location: 2q37.3.
Variant type: single nucleotide variant.
Coding change: c.4729A>G on transcript NM_004369.4 (MANE Select); coding-DNA position 4729, A replaced by G.
Protein change: p.Asn1577Asp; replaces asparagine 1577 with aspartic acid.
Molecular consequence: missense variant.
Genome position (GRCh38, 1-based): chr2:237,368,734, T>C on the plus strand (A>G on the coding strand, the complement: COL6A3 is on the minus strand). VCF-style: chr2-237368734-T-C. GRCh37 (hg19) VCF-style: chr2-238277377-T-C.
Other names: c.2908A>G, p.Asn970Asp (NM_057166.5); c.4111A>G, p.Asn1371Asp (NM_057167.4); short protein forms N1577D, N970D, N1371D.
Identifiers: ClinVar variation 576028 (VCV000576028.33), dbSNP rs1559239453, ClinGen allele CA351192300.
Genomic context (GRCh38, chr2:237,368,734, plus strand): 5'-GCACTGTGAAGACCAGTCTGGGGTCATTGGTGATGGTCTGCAGCTCTGTTCTGTCGATGT[T>C]CCGGTCTCCTACCCCTAAACTCACAATGCCCGAGGAACGGATCACCTGGGCGAACCTGGA-3'
Protein context (NP_004360.2, residues 1567-1587): GIVSLGVGDR[Asn1577Asp]IDRTELQTIT

ClinVar aggregate classification (germline): Uncertain significance. Review status: criteria provided, multiple submitters, no conflicts (2 of 4 stars). 2 submissions from 2 submitters: Uncertain significance (2). Last evaluated 2022-10-01.

Conditions:
Bethlem myopathy 1A. Also called: MYOPATHY, BENIGN CONGENITAL, WITH CONTRACTURES; Bethlem myopathy 1; Bethlem Muscular Dystrophy. Identifiers: Orphanet 610, MedGen CN029274, MONDO:0024530, OMIM 158810.

Submissions (2):

CeGaT Center for Human Genetics Tuebingen
Classification: Uncertain significance. Last evaluated: 2022-10-01. Review status: criteria provided, single submitter. Criteria: CeGaT Center For Human Genetics Tuebingen Variant Classification Criteria Version 2. Collection method: clinical testing. Allele origin: germline. Affected: yes. Observed: 1 variant allele.
Comment: COL6A3: PM2

Labcorp Genetics (formerly Invitae), Labcorp
Classification: Uncertain significance for Bethlem myopathy 1A. Last evaluated: 2018-05-03. Review status: criteria provided, single submitter. Criteria: Invitae Variant Classification Sherloc (09022015). Collection method: clinical testing. Allele origin: germline.
Comment: In summary, the available evidence is currently insufficient to determine the role of this variant in disease. Therefore, it has been classified as a Variant of Uncertain Significance. Algorithms developed to predict the effect of missense changes on protein structure and function do not agree on the potential impact of this missense change (SIFT: "Tolerated"; PolyPhen-2: "Probably Damaging"; Align-GVGD: "Class C0"). This variant has not been reported in the literature in individuals with COL6A3-related disease. This variant is not present in population databases (ExAC no frequency). This sequence change replaces asparagine with aspartic acid at codon 1577 of the COL6A3 protein (p.Asn1577Asp). The asparagine residue is moderately conserved and there is a small physicochemical difference between asparagine and aspartic acid.